The following is an entry in ClinVar:

ClinVar aggregate classification (germline): Uncertain significance (1 of 4 stars; one submission).

Conditions:
Emery-Dreifuss muscular dystrophy 4, autosomal dominant (EDMD4). Also called: EMERY-DREIFUSS MUSCULAR DYSTROPHY 4 WITH VARIABLE FEATURES. Identifiers: Orphanet 261, MedGen C2751807, MONDO:0013071, OMIM 612998.
Autosomal recessive ataxia, Beauce type. Also called: Spinocerebellar ataxia, autosomal recessive 8; ATAXIA, RECESSIVE, OF BEAUCE; SYNE1-Related Autosomal Recessive Cerebellar Ataxia; SYNE1 Deficiency. Identifiers: Orphanet 88644, MedGen C1853116, MONDO:0012549, OMIM 610743.

Allele frequency attached by ClinVar (database versions not stated): gnomAD 0.00001; gnomAD exomes 0.00002; TOPMed 0.00002; ExAC 0.00003.
gnomAD v4.1: 14 of 1,612,902 alleles (0.00087%); highest among the groups gnomAD compares: Admixed American, 0.023%; 1 homozygote.

Submission:

Labcorp Genetics (formerly Invitae), Labcorp
Classification: Uncertain significance for Emery-Dreifuss muscular dystrophy 4, autosomal dominant; Autosomal recessive ataxia, Beauce type. Last evaluated: 2022-08-21. Review status: criteria provided, single submitter. Criteria: Invitae Variant Classification Sherloc (09022015). Collection method: clinical testing. Allele origin: germline.
Comment: This sequence change replaces asparagine, which is neutral and polar, with aspartic acid, which is acidic and polar, at codon 656 of the SYNE1 protein (p.Asn656Asp). This variant is present in population databases (rs749045504, gnomAD 0.03%). This variant has not been reported in the literature in individuals affected with SYNE1-related conditions. Algorithms developed to predict the effect of missense changes on protein structure and function (SIFT, PolyPhen-2, Align-GVGD) all suggest that this variant is likely to be tolerated. In summary, the available evidence is currently insufficient to determine the role of this variant in disease. Therefore, it has been classified as a Variant of Uncertain Significance.

NM_182961.4(SYNE1):c.1945A>G (p.Asn649Asp)

Gene: SYNE1 (spectrin repeat containing nuclear envelope protein 1; minus strand). Cytogenetic location: 6q25.2.
Variant type: single nucleotide variant.
Coding change: c.1945A>G on transcript NM_182961.4 (MANE Select); coding-DNA position 1945, A replaced by G.
Protein change: p.Asn649Asp; replaces asparagine 649 with aspartic acid.
Molecular consequence: missense variant.
Genome position (GRCh38, 1-based): chr6:152,463,505, T>C on the plus strand (A>G on the coding strand, the complement: SYNE1 is on the minus strand). VCF-style: chr6-152463505-T-C. GRCh37 (hg19) VCF-style: chr6-152784640-T-C.
Other names: c.1966A>G, p.Asn656Asp (NM_033071.5); short protein forms N656D, N649D.
Identifiers: ClinVar variation 2181012 (VCV002181012.1), dbSNP rs749045504, ClinGen allele CA4059260.